The following is an entry in ClinVar:

ClinVar aggregate classification (germline): Uncertain significance (1 of 4 stars; one submission).

Submission:

Labcorp Genetics (formerly Invitae), Labcorp
Classification: Uncertain significance. Last evaluated: 2025-10-03. Review status: criteria provided, single submitter. Criteria: Invitae Variant Classification Sherloc (09022015). Collection method: clinical testing. Allele origin: germline.
Comment: This sequence change replaces proline, which is neutral and non-polar, with threonine, which is neutral and polar, at codon 717 of the TLK2 protein (p.Pro717Thr). This variant is not present in population databases (gnomAD no frequency). This variant has not been reported in the literature in individuals affected with TLK2-related conditions. Invitae Evidence Modeling of protein sequence and biophysical properties (such as structural, functional, and spatial information, amino acid conservation, physicochemical variation, residue mobility, and thermodynamic stability) indicates that this missense variant is not expected to disrupt TLK2 protein function with a negative predictive value of 95%. In summary, the available evidence is currently insufficient to determine the role of this variant in disease. Therefore, it has been classified as a Variant of Uncertain Significance.

NM_006852.6(TLK2):c.2149C>A (p.Pro717Thr)

Gene: TLK2 (tousled like kinase 2; plus strand). Cytogenetic location: 17q23.2.
Variant type: single nucleotide variant.
Coding change: c.2149C>A on transcript NM_006852.6 (MANE Select); coding-DNA position 2149, C replaced by A.
Protein change: p.Pro717Thr; replaces proline 717 with threonine.
Molecular consequence: missense variant.
Genome position (GRCh38, 1-based): chr17:62,612,461, C>A. VCF-style: chr17-62612461-C-A. GRCh37 (hg19) VCF-style: chr17-60689822-C-A.
Other names: c.2215C>A, p.Pro739Thr (NM_001284333.3); c.2053C>A, p.Pro685Thr (NM_001284363.1, NM_001375272.1, NM_001438203.1 and 1 more transcripts); c.1702C>A, p.Pro568Thr (NM_001330418.3, NM_001375273.1); c.2191C>A, p.Pro731Thr (NM_001375269.1); c.2149C>A, p.Pro717Thr (NM_001375270.1, NM_001375271.1); c.1864C>A, p.Pro622Thr (NM_001411074.1); c.1960C>A, p.Pro654Thr (NM_001438205.1); short protein forms P568T, P622T, P654T, P685T, P717T, P731T, P739T.
Identifiers: ClinVar variation 4811540 (VCV004811540.1).
Genomic context (GRCh38, chr17:62,612,461, plus strand): 5'-CGACGATGCTTGGCCTACCGAAAGGAGGACCGCATTGATGTCCAGCAGCTGGCCTGTGAT[C>A]CCTACTTGTTGCCTCACATCCGAAAGTCAGTCTCTACAAGTAGCCCTGCTGGAGCTGCTA-3'
Protein context (NP_006843.2, residues 707-727): RIDVQQLACD[Pro717Thr]YLLPHIRKSV